The following is an entry in ClinVar:

ClinVar aggregate classification (germline): Pathogenic. Review status: criteria provided, multiple submitters, no conflicts (2 of 4 stars). 4 submissions from 4 submitters: Pathogenic (4). Last evaluated 2025-12-11.

Conditions:
Carney complex. Also called: LAMB SYNDROME; MYXOMA, SPOTTY PIGMENTATION, AND ENDOCRINE OVERACTIVITY; NAME SYNDROME; CARNEY SYNDROME. Identifiers: Orphanet 1359, MedGen C0406810, MONDO:0015285.
Carney complex, type 1 (CNC1). Also called: CARNEY MYXOMA-ENDOCRINE COMPLEX; CARNEY COMPLEX, TYPE I. Identifiers: Orphanet 1359, MedGen C2607929, MONDO:0008057, OMIM 160980.

gnomAD v4.1: 1 of 1,613,356 alleles (0.000062%); highest among the groups gnomAD compares: South Asian, 0.0011%; no homozygotes.

Submissions (4):

Medical and Scientific Branch, Hong Kong Genome Institute
Classification: Pathogenic for Carney complex, type 1. Last evaluated: 2025-12-11. Review status: criteria provided, single submitter. Criteria: ACMG Guidelines, 2015. Collection method: clinical testing. Allele origin: germline. Affected: yes.

Labcorp Genetics (formerly Invitae), Labcorp
Classification: Pathogenic for Carney complex, type 1. Last evaluated: 2024-03-07. Review status: criteria provided, single submitter. Criteria: Invitae Variant Classification Sherloc (09022015). Collection method: clinical testing. Allele origin: germline.
Comment: This sequence change creates a premature translational stop signal (p.Arg228*) in the PRKAR1A gene. It is expected to result in an absent or disrupted protein product. Loss-of-function variants in PRKAR1A are known to be pathogenic (PMID: 11115848, 19293268). This variant is not present in population databases (gnomAD no frequency). This premature translational stop signal has been observed in individuals with Carney complex (PMID: 19265501, 21047926, 28255981). This variant is also known as 769C>T. ClinVar contains an entry for this variant (Variation ID: 41391). For these reasons, this variant has been classified as Pathogenic.

GeneDx
Classification: Pathogenic. Last evaluated: 2022-10-21. Review status: criteria provided, single submitter. Criteria: GeneDx Variant Classification Process June 2021. Collection method: clinical testing. Allele origin: germline. Affected: yes.
Comment: Nonsense variant predicted to result in protein truncation or nonsense mediated decay in a gene for which loss-of-function is a known mechanism of disease; Not observed in large population cohorts (gnomAD); This variant is associated with the following publications: (PMID: 12676898, 16569736, 11115848, 28255981, 19265501, 20358582, 19429701, 17079485, 25525159)

Women's Health and Genetics/Laboratory Corporation of America, LabCorp
Classification: Pathogenic for Carney complex. Last evaluated: 2020-11-03. Review status: criteria provided, single submitter. Criteria: LabCorp Variant Classification Summary - May 2015. Collection method: clinical testing. Allele origin: germline.
Comment: Variant summary: PRKAR1A c.682C>T (p.Arg228X) results in a premature termination codon, predicted to cause a truncation of the encoded protein or absence of the protein due to nonsense mediated decay, which are commonly known mechanisms for disease. The variant was absent in 251178 control chromosomes (gnomAD). c.682C>T has been reported in the literature in individuals affected with Carney Complex (Kirschner_2000, Courcoutsakis_2009, Libe_2010, Sikorska_2017). These data indicate that the variant is likely to be associated with disease. To our knowledge, no experimental evidence demonstrating an impact on protein function has been reported. Two ClinVar submitters (evaluation after 2014) cite the variant as pathogenic. Based on the evidence outlined above, the variant was classified as pathogenic.

Literature cited by the submitters: PubMed 11115848 (cited by Labcorp Genetics (formerly Invitae), Labcorp and Women's Health and Genetics/Laboratory Corporation of America, LabCorp); PubMed 19293268 (cited by Labcorp Genetics (formerly Invitae), Labcorp); PubMed 19265501 (cited by Labcorp Genetics (formerly Invitae), Labcorp and Women's Health and Genetics/Laboratory Corporation of America, LabCorp); PubMed 21047926 (cited by Labcorp Genetics (formerly Invitae), Labcorp and Women's Health and Genetics/Laboratory Corporation of America, LabCorp); PubMed 28255981 (cited by Labcorp Genetics (formerly Invitae), Labcorp and Women's Health and Genetics/Laboratory Corporation of America, LabCorp); PubMed 22259056 (cited by Women's Health and Genetics/Laboratory Corporation of America, LabCorp).

NM_002734.5(PRKAR1A):c.682C>T (p.Arg228Ter)

Gene: PRKAR1A (protein kinase cAMP-dependent type I regulatory subunit alpha; plus strand). Cytogenetic location: 17q24.2.
Variant type: single nucleotide variant.
Coding change: c.682C>T on transcript NM_002734.5 (MANE Select); coding-DNA position 682, C replaced by T.
Protein change: p.Arg228Ter; replaces arginine 228 with a stop codon.
Molecular consequence: nonsense.
Genome position (GRCh38, 1-based): chr17:68,525,886, C>T. VCF-style: chr17-68525886-C-T. GRCh37 (hg19) VCF-style: chr17-66522027-C-T.
Other names: c.682C>T, p.Arg228Ter (NM_001276289.2, NM_001276290.1, NM_001278433.2 and 4 more transcripts); short protein forms R228*.
Identifiers: ClinVar variation 41391 (VCV000041391.17), dbSNP rs281864784, ClinGen allele CA344447.